The following is an entry in ClinVar:

NM_138459.5(NUS1):c.174G>T (p.Lys58Asn)

Gene: NUS1 (NUS1 dehydrodolichyl diphosphate synthase subunit; plus strand). Cytogenetic location: 6q22.1.
Variant type: single nucleotide variant.
Coding change: c.174G>T on transcript NM_138459.5 (MANE Select); coding-DNA position 174, G replaced by T.
Protein change: p.Lys58Asn; replaces lysine 58 with asparagine.
Molecular consequence: missense variant.
Genome position (GRCh38, 1-based): chr6:117,675,844, G>T. VCF-style: chr6-117675844-G-T. GRCh37 (hg19) VCF-style: chr6-117997007-G-T.
Other names: short protein forms K58N.
Identifiers: ClinVar variation 1412794 (VCV001412794.38), dbSNP rs761121795, ClinGen allele CA3977075.

ClinVar aggregate classification (germline): Conflicting classifications of pathogenicity. Review status: criteria provided, conflicting classifications (1 of 4 stars). 2 submissions from 2 submitters: Uncertain significance (1); Likely benign (1). Last evaluated 2026-01-16.

Conditions:
Congenital disorder of glycosylation, type Iaa. Also called: Congenital disorder of glycosylation, type 1aa. Identifiers: MedGen C4310727, MONDO:0014904, OMIM 617082.

Allele frequency attached by ClinVar (database versions not stated): TOPMed 0.00026; gnomAD 0.00029; ExAC 0.00035.
gnomAD v4.1: 583 of 1,540,566 alleles (0.038%); highest among the groups gnomAD compares: Admixed American, 0.064%; 1 homozygote.

Submissions (2):

Labcorp Genetics (formerly Invitae), Labcorp
Classification: Uncertain significance for Congenital disorder of glycosylation, type Iaa. Last evaluated: 2026-01-16. Review status: criteria provided, single submitter. Criteria: Invitae Variant Classification Sherloc (09022015). Collection method: clinical testing. Allele origin: germline.
Comment: This sequence change replaces lysine, which is basic and polar, with asparagine, which is neutral and polar, at codon 58 of the NUS1 protein (p.Lys58Asn). This variant is present in population databases (rs761121795, gnomAD 0.05%), and has an allele count higher than expected for a pathogenic variant. This variant has not been reported in the literature in individuals affected with NUS1-related conditions. ClinVar contains an entry for this variant (Variation ID: 1412794). An algorithm developed to predict the effect of missense changes on protein structure and function (PolyPhen-2) suggests that this variant is likely to be tolerated. In summary, the available evidence is currently insufficient to determine the role of this variant in disease. Therefore, it has been classified as a Variant of Uncertain Significance.

CeGaT Center for Human Genetics Tuebingen
Classification: Likely benign. Last evaluated: 2022-01-01. Review status: criteria provided, single submitter. Criteria: CeGaT Center For Human Genetics Tuebingen Variant Classification Criteria Version 2. Collection method: clinical testing. Allele origin: germline. Affected: yes. Observed: 1 variant allele.